The following is an entry in ClinVar:

NM_003073.5(SMARCB1):c.235C>T (p.His79Tyr)

Gene: SMARCB1 (SWI/SNF related BAF chromatin remodeling complex subunit B1; plus strand). Cytogenetic location: 22q11.23.
Variant type: single nucleotide variant.
Coding change: c.235C>T on transcript NM_003073.5 (MANE Select); coding-DNA position 235, C replaced by T.
Protein change: p.His79Tyr; replaces histidine 79 with tyrosine.
Molecular consequence: missense variant.
Genome position (GRCh38, 1-based): chr22:23,793,561, C>T. VCF-style: chr22-23793561-C-T. GRCh37 (hg19) VCF-style: chr22-24135748-C-T.
Other names: c.208C>T, p.His70Tyr (NM_001007468.3, NM_001317946.2); c.235C>T, p.His79Tyr (NM_001362877.2); short protein forms H70Y, H79Y.
Identifiers: ClinVar variation 4170238 (VCV004170238.1).

ClinVar aggregate classification (germline): Uncertain significance (1 of 4 stars; one submission).

Conditions:
Hereditary cancer-predisposing syndrome. Also called: Neoplastic Syndromes, Hereditary; Tumor predisposition; Hereditary Cancer Syndrome; Hereditary neoplastic syndrome. Identifiers: Orphanet 140162, MedGen C0027672, MeSH D009386, MONDO:0015356.

Submission:

Ambry Genetics
Classification: Uncertain significance for Hereditary cancer-predisposing syndrome. Last evaluated: 2025-07-28. Review status: criteria provided, single submitter. Criteria: Ambry Variant Classification Scheme 2023. Collection method: clinical testing. Allele origin: germline.
Comment: The p.H79Y variant (also known as c.235C>T), located in coding exon 3 of the SMARCB1 gene, results from a C to T substitution at nucleotide position 235. The histidine at codon 79 is replaced by tyrosine, an amino acid with similar properties. This amino acid position is highly conserved in available vertebrate species. In addition, this alteration is predicted to be deleterious by in silico analysis. Based on the available evidence, the clinical significance of this variant remains unclear.